The following is an entry in ClinVar:

ClinVar aggregate classification (germline): Conflicting classifications of pathogenicity. Review status: criteria provided, conflicting classifications (1 of 4 stars). 2 submissions from 2 submitters: Likely pathogenic (1); Uncertain significance (1). Last evaluated 2022-11-17.

Allele frequency attached by ClinVar (database versions not stated): gnomAD 0.00001 and 0.00002; gnomAD exomes 0.00001; ExAC 0.00002; TOPMed 0.00004.

Submissions (2):

GeneDx
Classification: Uncertain significance. Last evaluated: 2022-11-17. Review status: criteria provided, single submitter. Criteria: GeneDx Variant Classification Process June 2021. Collection method: clinical testing. Allele origin: germline. Affected: yes.
Comment: Frameshift variant predicted to result in protein truncation or nonsense mediated decay in a gene or region of a gene for which loss of function is not a well-established mechanism of disease; Not observed at significant frequency in large population cohorts (gnomAD); Has not been previously published as pathogenic or benign to our knowledge

Genetics Laboratory, UDIAT-Centre Diagnòstic, Hospital Universitari Parc Tauli
Classification: Likely pathogenic. Last evaluated: 2021-04-26. Review status: criteria provided, single submitter. Criteria: Parc Tauli Hospital Assertion Criteria 2021. Collection method: clinical testing. Allele origin: maternal. Inheritance: Autosomal recessive inheritance. Affected: yes. Observed: 1 compound heterozygote.
Comment: PVS1_very strong;PM2_supporting

NM_015959.4(TMX2):c.392del (p.Leu131fs)

Genes: TMX2 (thioredoxin related transmembrane protein 2; plus strand), TMX2-CTNND1 (TMX2-CTNND1 readthrough (NMD candidate); plus strand). Cytogenetic location: 11q12.1.
Variant type: Deletion.
Coding change: c.392del on transcript NM_015959.4 (MANE Select); coding-DNA position 392, one base deleted (T; older notation c.392delT).
Protein change: p.Leu131fs; shifts the reading frame from leucine 131.
Molecular consequence: frameshift variant. On other transcripts: non-coding transcript variant (1).
Genome position (GRCh38, 1-based): chr11:57,738,381, T deleted. VCF-style (leftmost placement, unchanged base first): chr11-57738380-CT-C. GRCh37 (hg19) VCF-style: chr11-57505852-CT-C.
Other names: c.278del, p.Leu93fs (NM_001144012.3); c.392del, p.Leu131fs (NM_001347890.2, NM_001347898.2); c.308del, p.Leu103fs (NM_001347891.2); c.185del, p.Leu62fs (NM_001347892.2); c.110del, p.Leu37fs (NM_001347893.2, NM_001347894.2, NM_001347895.2 and 1 more transcripts); short protein forms L103fs, L131fs, L37fs, L62fs, L93fs.
Identifiers: ClinVar variation 1098352 (VCV001098352.3), dbSNP rs758529293, ClinGen allele CA6009600.